The following is an entry in ClinVar:

ClinVar aggregate classification (germline): Pathogenic. Review status: criteria provided, multiple submitters, no conflicts (2 of 4 stars). 2 submissions from 2 submitters: Pathogenic (2). Last evaluated 2022-03-11.

Conditions:
NCF2-related disorder. Also called: NCF2-related condition.

Allele frequency attached by ClinVar (database versions not stated): gnomAD exomes below 0.00001.
gnomAD v4.1: 1 of 1,613,764 alleles (0.000062%); highest among the groups gnomAD compares: South Asian, 0.0011%; no homozygotes.

Submissions (2):

GeneDx
Classification: Pathogenic. Last evaluated: 2022-03-11. Review status: criteria provided, single submitter. Criteria: GeneDx Variant Classification Process June 2021. Collection method: clinical testing. Allele origin: germline. Affected: yes.
Comment: Reported in association with CGD in the published literature (Roos et al., 2021); Canonical splice site variant predicted to result in a null allele in a gene for which loss of function is a known mechanism of disease; Not observed at significant frequency in large population cohorts (gnomAD); This variant is associated with the following publications: (PMID: 25525159, 20167518, 34547651)

Blueprint Genetics
Classification: Pathogenic for NCF2-related disorders. Last evaluated: 2020-12-31. Review status: criteria provided, single submitter. Criteria: ACMG Guidelines, 2015. Collection method: clinical testing. Allele origin: germline. Affected: yes. Observed: 2 variant alleles.

NM_000433.4(NCF2):c.175-1G>A

Gene: NCF2 (neutrophil cytosolic factor 2; minus strand). Cytogenetic location: 1q25.3.
Variant type: single nucleotide variant.
Coding change: c.175-1G>A on transcript NM_000433.4 (MANE Select); the canonical splice acceptor site of the intron before coding-DNA position 175, G replaced by A.
Molecular consequence: splice acceptor variant.
Genome position (GRCh38, 1-based): chr1:183,586,978, C>T on the plus strand (G>A on the coding strand, the complement: NCF2 is on the minus strand). VCF-style: chr1-183586978-C-T. GRCh37 (hg19) VCF-style: chr1-183556113-C-T.
Other names: c.175-1G>A (NM_001410895.1, NM_001127651.3, NM_001190789.2 and 1 more transcripts).
Identifiers: ClinVar variation 1704874 (VCV001704874.3), dbSNP rs2528022418, ClinGen allele CA343683588.
Genomic context (GRCh38, chr1:183,586,978, plus strand): 5'-CCCTCGTTGGAAGTAAGCCACTGCCAAGTGCTTGTCTCGGTTAATGCTTCTGGTAAAGGC[C>T]TGAGGAGAGAAGGGTCCAGACATGGCCATGATGCAAGGCAGTGAGGAGGTGTGAGATGAG-3'